The following is an entry in ClinVar:

NM_001267550.2(TTN):c.88787C>G (p.Thr29596Ser)

Genes: TTN (titin; minus strand), TTN-AS1 (TTN antisense RNA 1; plus strand). Cytogenetic location: 2q31.2.
Variant type: single nucleotide variant.
Coding change: c.88787C>G on transcript NM_001267550.2 (MANE Select); coding-DNA position 88787, C replaced by G.
Protein change: p.Thr29596Ser; replaces threonine 29596 with serine.
Molecular consequence: missense variant.
Genome position (GRCh38, 1-based): chr2:178,554,560, G>C on the plus strand (C>G on the coding strand, the complement: TTN is on the minus strand). VCF-style: chr2-178554560-G-C. GRCh37 (hg19) VCF-style: chr2-179419287-G-C.
Other names: c.83864C>G, p.Thr27955Ser (NM_001256850.1); c.61592C>G, p.Thr20531Ser (NM_003319.4); c.81083C>G, p.Thr27028Ser (NM_133378.4); c.61967C>G, p.Thr20656Ser (NM_133432.3); c.62168C>G, p.Thr20723Ser (NM_133437.4); c.88787C>G (NM_001267550.1); short protein forms T27028S, T29596S, T20531S, T20656S, T20723S, T27955S.
Identifiers: ClinVar variation 191861 (VCV000191861.9), dbSNP rs786205371, ClinGen allele CA237725.

ClinVar aggregate classification (germline): Uncertain significance. Review status: criteria provided, multiple submitters, no conflicts (2 of 4 stars). 6 submissions from 6 submitters: Uncertain significance (6). Last evaluated 2025-02-14.

Conditions:
Cardiovascular phenotype. Identifiers: MedGen CN230736.
Myopathy, myofibrillar, 9, with early respiratory failure (MFM9). Also called: EDSTROM MYOPATHY; MYOPATHY, PROXIMAL, WITH EARLY RESPIRATORY MUSCLE INVOLVEMENT; Myopathy, distal, with early respiratory failure, autosomal dominant; Hereditary myopathy with early respiratory failure. Identifiers: Orphanet 178464, Orphanet 34521, MedGen C1863599, MONDO:0011362, OMIM 603689.
Early-onset myopathy with fatal cardiomyopathy (CMYO5). Also called: CONGENITAL MYOPATHY 5 WITH CARDIOMYOPATHY; Salih Myopathy. Identifiers: Orphanet 289377, MedGen C2673677, MONDO:0012714, OMIM 611705. Disease mechanism: loss of function.
Hypertrophic cardiomyopathy 9. Also called: Familial hypertrophic cardiomyopathy 9. Identifiers: MedGen C1861065, MONDO:0013412, OMIM 613765.
Dilated cardiomyopathy 1G (CMD1G). Identifiers: Orphanet 154, MedGen C1858763, MONDO:0011400, OMIM 604145.
Tibial muscular dystrophy (TMD). Also called: UDD MYOPATHY; Tibial muscular dystrophy, tardive; Udd Distal Myopathy – Tibial Muscular Dystrophy. Identifiers: Orphanet 609, MedGen C1838244, MONDO:0010870, OMIM 600334.
Autosomal recessive limb-girdle muscular dystrophy type 2J (LGMDR10). Also called: MUSCULAR DYSTROPHY, LIMB-GIRDLE, AUTOSOMAL RECESSIVE 10; Limb-girdle muscular dystrophy, type 2J. Identifiers: Orphanet 140922, MedGen C1837342, MONDO:0012127, OMIM 608807.

Allele frequency attached by ClinVar (database versions not stated): gnomAD 0.00003; TOPMed 0.00003.
gnomAD v4.1: 25 of 1,613,650 alleles (0.0015%); highest among the groups gnomAD compares: Non-Finnish European, 0.0018%; no homozygotes.

Submissions (6):

Revvity Omics, Revvity
Classification: Uncertain significance. Last evaluated: 2025-02-14. Review status: criteria provided, single submitter. Criteria: ACMG Guidelines, 2015. Collection method: clinical testing. Allele origin: germline.

Athena Diagnostics
Classification: Uncertain significance. Last evaluated: 2021-09-21. Review status: criteria provided, single submitter. Criteria: Athena Diagnostics Criteria. Collection method: clinical testing. Allele origin: unknown.

Fulgent Genetics
Classification: Uncertain significance for Tibial muscular dystrophy; Myopathy, myofibrillar, 9, with early respiratory failure; Dilated cardiomyopathy 1G; Autosomal recessive limb-girdle muscular dystrophy type 2J; Early-onset myopathy with fatal cardiomyopathy; Hypertrophic cardiomyopathy 9. Last evaluated: 2021-07-10. Review status: criteria provided, single submitter. Criteria: ACMG Guidelines, 2015. Collection method: clinical testing. Allele origin: unknown.

Ambry Genetics
Classification: Uncertain significance for Cardiovascular phenotype. Last evaluated: 2020-03-17. Review status: criteria provided, single submitter. Criteria: Ambry Variant Classification Scheme 2023. Collection method: clinical testing. Allele origin: germline.
Comment: The p.T20531S variant (also known as c.61592C>G), located in coding exon 159 of the TTN gene, results from a C to G substitution at nucleotide position 61592. The threonine at codon 20531 is replaced by serine, an amino acid with similar properties. This amino acid position is not well conserved in available vertebrate species. In addition, this alteration is predicted to be tolerated by in silico analysis. Since supporting evidence is limited at this time, the clinical significance of this alteration remains unclear.

Eurofins Ntd Llc (ga)
Classification: Uncertain significance. Last evaluated: 2017-01-03. Review status: criteria provided, single submitter. Criteria: EGL Classification Definitions 2015. Collection method: clinical testing. Allele origin: germline. Observed: 2 variant alleles, 2 heterozygotes.

Biesecker Lab/Clinical Genomics Section, National Institutes of Health
Classification: Uncertain significance. Last evaluated: 2013-06-24. Review status: criteria provided, single submitter. Criteria: Ng et al. (Circ Cardiovasc Genet. 2013). Collection method: research. Allele origin: unknown. Observed: 1 variant allele. Study: ClinSeq.
Comment: The study set was not selected for affection status in relation to any cancer. Pathogenicity categories were based on literature curation. See Pubmed ID:23861362 for details.

Medical sequencing